The following is an entry in ClinVar:

ClinVar aggregate classification (germline): Benign (1 of 4 stars; one submission).

Allele frequency attached by ClinVar (database versions not stated): ESP Exome Variant Server 0.02862; 1000 Genomes Project 0.03055; 1000 Genomes Project 30x 0.03123; gnomAD 0.02531; TOPMed 0.02904.
gnomAD v4.1: 6,737 of 1,447,760 alleles (0.47%); highest among the groups gnomAD compares: African/African-American, 8.5%; 260 homozygotes.

Submission:

GeneDx
Classification: Benign. Last evaluated: 2018-06-19. Review status: criteria provided, single submitter. Criteria: GeneDx Variant Classification (06012015). Collection method: clinical testing. Allele origin: germline. Affected: yes.
Comment: This variant is considered likely benign or benign based on one or more of the following criteria: it is a conservative change, it occurs at a poorly conserved position in the protein, it is predicted to be benign by multiple in silico algorithms, and/or has population frequency not consistent with disease.

NM_000426.4(LAMA2):c.6274+47A>T

Gene: LAMA2 (laminin subunit alpha 2; plus strand). Cytogenetic location: 6q22.33.
Variant type: single nucleotide variant.
Coding change: c.6274+47A>T on transcript NM_000426.4 (MANE Select); 47 bases into the intron after coding-DNA position 6274, A replaced by T.
Molecular consequence: intron variant.
Genome position (GRCh38, 1-based): chr6:129,443,115, A>T. VCF-style: chr6-129443115-A-T. GRCh37 (hg19) VCF-style: chr6-129764260-A-T.
Other names: c.6274+47A>T (NM_001079823.2).
Identifiers: ClinVar variation 678264 (VCV000678264.1), dbSNP rs73775411, ClinGen allele CA3994213.